The following is an entry in ClinVar:

NM_000052.7(ATP7A):c.556A>C (p.Thr186Pro)

Gene: ATP7A (ATPase copper transporting alpha; plus strand). Cytogenetic location: Xq21.1.
Variant type: single nucleotide variant.
Coding change: c.556A>C on transcript NM_000052.7 (MANE Select); coding-DNA position 556, A replaced by C.
Protein change: p.Thr186Pro; replaces threonine 186 with proline.
Molecular consequence: missense variant.
Genome position (GRCh38, 1-based): chrX:77,988,677, A>C. VCF-style: chrX-77988677-A-C. GRCh37 (hg19) VCF-style: chrX-77244173-A-C.
Other names: c.556A>C, p.Thr186Pro (NM_001282224.2); c.556A>C (NM_000052.4); short protein forms T186P.
Identifiers: ClinVar variation 952661 (VCV000952661.12), dbSNP rs1557231656, ClinGen allele CA413600278.

ClinVar aggregate classification (germline): Conflicting classifications of pathogenicity. Review status: criteria provided, conflicting classifications (1 of 4 stars). 3 submissions from 3 submitters: Uncertain significance (1); Likely benign (1). 1 of the submissions does not count toward it. Last evaluated 2026-07-19.

Conditions:
Menkes kinky-hair syndrome (MNK). Also called: Menkes Disease; Classic Menkes Disease; Copper transport disease. Identifiers: Orphanet 565, MedGen C0022716, MONDO:0010651, OMIM 309400.
X-linked distal spinal muscular atrophy type 3. Also called: SPINAL MUSCULAR ATROPHY, DISTAL, X-LINKED RECESSIVE; ATP7A-Related Distal Motor Neuropathy; NEURONOPATHY, DISTAL HEREDITARY MOTOR, X-LINKED; NEUROPATHY, DISTAL HEREDITARY MOTOR, X-LINKED. Identifiers: Orphanet 139557, MedGen C1845359, MONDO:0010338, OMIM 300489.
Cutis laxa, X-linked (OHS). Also called: EDS IX; Occipital horn syndrome. Identifiers: Orphanet 198, MedGen C0268353, MONDO:0010572, OMIM 304150.
Inborn genetic diseases. Identifiers: MedGen C0950123, MeSH D030342.

Allele frequency attached by ClinVar (database versions not stated): gnomAD exomes 0.00001.
gnomAD v4.1: 2 of 1,211,279 alleles (0.00017%); highest among the groups gnomAD compares: Non-Finnish European, 0.00022%; no homozygotes.

Submissions (3):

Ambry Genetics
Classification: Uncertain significance for Inborn genetic diseases. Last evaluated: 2026-07-19. Review status: criteria provided, single submitter. Criteria: Ambry Variant Classification Scheme 2023. Collection method: clinical testing. Allele origin: germline.
Comment: The c.556A>C (p.T186P) alteration is located in exon 3 (coding exon 2) of the ATP7A gene. This alteration results from a A to C substitution at nucleotide position 556, causing the threonine (T) at amino acid position 186 to be replaced by a proline (P). Based on data from gnomAD, the C allele has an overall frequency of <0.001% (1/182513) total alleles studied. The highest observed frequency was 0.001% (1/81129) of European (non-Finnish) alleles. Based on insufficient or conflicting evidence, the clinical significance of this alteration remains unclear.

Labcorp Genetics (formerly Invitae), Labcorp
Classification: Likely benign for X-linked distal spinal muscular atrophy type 3; Cutis laxa, X-linked; Menkes kinky-hair syndrome. Last evaluated: 2024-01-31. Review status: criteria provided, single submitter. Criteria: Invitae Variant Classification Sherloc (09022015). Collection method: clinical testing. Allele origin: germline.

Natera, Inc.
Classification: Uncertain significance for Menkes kinky hair syndrome. Last evaluated: 2021-01-21. Review status: no assertion criteria provided. Collection method: clinical testing. Allele origin: germline. Not counted in ClinVar's aggregate classification.